The following is an entry in ClinVar:

ClinVar aggregate classification (germline): Benign/Likely benign. Review status: criteria provided, multiple submitters, no conflicts (2 of 4 stars). 3 submissions from 3 submitters: Benign (1); Likely benign (2). Last evaluated 2025-05-01.

Allele frequency attached by ClinVar (database versions not stated): gnomAD exomes 0.00025; ExAC 0.00031; gnomAD 0.00103 and 0.00104; TOPMed 0.00111; 1000 Genomes Project 0.00120; ESP Exome Variant Server 0.00131; 1000 Genomes Project 30x 0.00156.
gnomAD v4.1: 283 of 1,613,830 alleles (0.018%); highest among the groups gnomAD compares: African/African-American, 0.33%; no homozygotes.

Submissions (3):

Labcorp Genetics (formerly Invitae), Labcorp
Classification: Benign. Last evaluated: 2025-05-01. Review status: criteria provided, single submitter. Criteria: Invitae Variant Classification Sherloc (09022015). Collection method: clinical testing. Allele origin: germline.

Blueprint Genetics
Classification: Likely benign. Last evaluated: 2024-10-09. Review status: criteria provided, single submitter. Criteria: ACMG Guidelines, 2015. Collection method: clinical testing. Allele origin: germline.

Laboratory for Molecular Medicine, Mass General Brigham Personalized Medicine
Classification: Likely benign. Last evaluated: 2012-04-30. Review status: criteria provided, single submitter. Criteria: LMM Criteria. Collection method: clinical testing. Allele origin: germline. Observed: 1 variant allele.
Comment: Ala500Ala in Exon 15 of MYO3A: This variant is not expected to have clinical sig nificance because it does not alter an amino acid residue, is not located within the splice consensus sequence, and has been identified in 0.4% (15/3738) of Afr ican American chromosomes from a broad population by the NHLBI Exome Sequencing Project (dbSNP rs146797033).

NM_017433.5(MYO3A):c.1500G>A (p.Ala500=)

Gene: MYO3A (myosin IIIA; plus strand). Cytogenetic location: 10p12.1.
Variant type: single nucleotide variant.
Coding change: c.1500G>A on transcript NM_017433.5 (MANE Select); coding-DNA position 1500, G replaced by A.
Protein change: p.Ala500=; no amino-acid change (alanine 500 retained).
Molecular consequence: synonymous variant.
Genome position (GRCh38, 1-based): chr10:26,088,343, G>A. VCF-style: chr10-26088343-G-A. GRCh37 (hg19) VCF-style: chr10-26377272-G-A.
Identifiers: ClinVar variation 178464 (VCV000178464.14), dbSNP rs146797033, ClinGen allele CA182382.